The following is an entry in ClinVar:

ClinVar aggregate classification (germline): Pathogenic (1 of 4 stars; one submission).

Conditions:
Breast-ovarian cancer, familial, susceptibility to, 2 (BROVCA2). Also called: BRCA2 Hereditary Breast and Ovarian Cancer. Identifiers: Orphanet 145, MedGen C2675520, MONDO:0012933, OMIM 612555. Disease mechanism: loss of function.

Submission:

Myriad Genetics, Inc.
Classification: Pathogenic for Breast-ovarian cancer, familial, susceptibility to, 2. Last evaluated: 2024-11-25. Review status: criteria provided, single submitter. Criteria: Myriad Autosomal Dominant, Autosomal Recessive and X-Linked Classification Criteria (2023). Collection method: clinical testing. Allele origin: unknown.
Comment: This variant is considered pathogenic. This variant creates a termination codon and is predicted to result in premature protein truncation.

NM_000059.4(BRCA2):c.712delinsTA (p.Glu238Ter)

Gene: BRCA2 (BRCA2 DNA repair associated; plus strand). Cytogenetic location: 13q13.1.
Variant type: Indel.
Coding change: c.712delinsTA on transcript NM_000059.4 (MANE Select); coding-DNA position 712, G replaced by TA.
Protein change: p.Glu238Ter; replaces glutamic acid 238 with a stop codon.
Molecular consequence: nonsense. On other transcripts: non-coding transcript variant (1).
Genome position (GRCh38, 1-based): chr13:32,330,949, G replaced by TA. VCF-style: chr13-32330949-G-TA. GRCh37 (hg19) VCF-style: chr13-32905086-G-TA.
Other names: c.712delinsTA, p.Glu238Ter (NM_001406719.1, NM_001406720.1, NM_001406721.1 and 1 more transcripts); c.343delinsTA, p.Glu115Ter (NM_001406722.1); short protein forms E115*, E238*.
Identifiers: ClinVar variation 3773530 (VCV003773530.1).
Genomic context (GRCh38, chr13:32,330,949, plus strand): 5'-ACTAGTGATTTTAAACTATAATTTTTGCAGAATGTGAAAAGCTATTTTTCCAATCATGAT[G>TA]AAAGTCTGAAGAAAAATGATAGATTTATCGCTTCTGTGACAGACAGTGAAAACACAAATC-3'